The following is an entry in ClinVar:

ClinVar aggregate classification (germline): Uncertain significance (1 of 4 stars; one submission).

Submission:

GeneDx
Classification: Uncertain significance. Last evaluated: 2024-10-09. Review status: criteria provided, single submitter. Criteria: GeneDx Variant Classification Process June 2021. Collection method: clinical testing. Allele origin: germline. Affected: yes.
Comment: Not observed at significant frequency in large population cohorts (gnomAD); In silico analysis supports that this missense variant has a deleterious effect on protein structure/function; Has not been previously published as pathogenic or benign to our knowledge

NM_007315.4(STAT1):c.1739G>A (p.Gly580Asp)

Gene: STAT1 (signal transducer and activator of transcription 1; minus strand). Cytogenetic location: 2q32.2.
Variant type: single nucleotide variant.
Coding change: c.1739G>A on transcript NM_007315.4 (MANE Select); coding-DNA position 1739, G replaced by A.
Protein change: p.Gly580Asp; replaces glycine 580 with aspartic acid.
Molecular consequence: missense variant.
Genome position (GRCh38, 1-based): chr2:190,978,990, C>T on the plus strand (G>A on the coding strand, the complement: STAT1 is on the minus strand). VCF-style: chr2-190978990-C-T. GRCh37 (hg19) VCF-style: chr2-191843716-C-T.
Other names: c.1679G>A, p.Gly560Asp (NM_001384880.1); c.1745G>A, p.Gly582Asp (NM_001384881.1, NM_001384884.1); c.1733G>A, p.Gly578Asp (NM_001384882.1); c.1640G>A, p.Gly547Asp (NM_001384883.1); c.1580G>A, p.Gly527Asp (NM_001384885.1); c.1739G>A, p.Gly580Asp (NM_001384886.1, NM_001384889.1, NM_139266.3); c.1646G>A, p.Gly549Asp (NM_001384887.1); c.1709G>A, p.Gly570Asp (NM_001384888.1); and 2 more; short protein forms G550D, G570D, G549D, G580D, G547D, G560D, G592D, G527D.
Identifiers: ClinVar variation 3781084 (VCV003781084.1).